The following is an entry in ClinVar:

ClinVar aggregate classification (germline): Pathogenic. Review status: reviewed by expert panel (3 of 4 stars). 8 submissions from 8 submitters: Pathogenic (1). 7 of the submissions do not count toward it. Last evaluated 2020-05-04.

Conditions:
Glycogen storage disease, type II (IOPD). Also called: POMPE DISEASE, INFANTILE-ONSET; GLYCOGEN STORAGE DISEASE II, INFANTILE-ONSET; ACID ALPHA-GLUCOSIDASE DEFICIENCY, INFANTILE-ONSET; GAA DEFICIENCY, INFANTILE-ONSET; ACID MALTASE DEFICIENCY, INFANTILE-ONSET; Glucosidase acid-1,4-alpha deficiency. Identifiers: Orphanet 365, MedGen C0017921, MONDO:0009290, OMIM 232300.

Allele frequency attached by ClinVar (database versions not stated): gnomAD exomes below 0.00001; ExAC 0.00001; gnomAD 0.00001; TOPMed 0.00001; ESP Exome Variant Server 0.00008.
gnomAD v4.1: 2 of 1,613,104 alleles (0.00012%); highest among the groups gnomAD compares: African/African-American, 0.0027%; no homozygotes.

Submissions (8):

ClinGen Lysosomal Storage Disorder Variant Curation Expert Panel
Classification: Pathogenic for Glycogen storage disease, type II. Last evaluated: 2020-05-04. Review status: reviewed by expert panel. Criteria: ClinGen LSD ACMG Specifications v1. Collection method: curation. Allele origin: germline. Inheritance: Autosomal recessive inheritance.
Comment: This variant, c.2512C>T (p.Gln838Ter), is a nonsense variant that is predicted to result in nonsense mediated decay and lack of gene product, meeting PVS1. The highest population minor allele frequency in gnomAD v2.1.1 is 0.00006 in the African population, meeting PM2. It has been reported in two siblings with infantile onset Pompe disease who meet the ClinGen LSD VCEP's specifications for PP4, and who are compound heterozygous for the variant and c.2105G>T (p.Arg702Leu) (PMID 26167453). However, this in trans data will be used in the assessment of p.Arg702Leu and is not included here in order to avoid a circular argument. Another patient, with limb girdle muscular dystrophy, has been reported to be compound heterozygous for the variant and c.-32-13T>G. However, residual GAA activity was not provided, and therefore this data was not included (PMID 30564623). There is a ClinVar entry for this variant (Variation ID: 92479, 1 star review status) with one submitter classifying the variant as pathogenic. In summary, this variant meets the criteria to be classified as pathogenic for Pompe disease. GAA-specific ACMG/AMP criteria applied, as specified by the ClinGen LSD VCEP: PVS1, PM2, PP4.

Genomenon, Inc
Classification: Pathogenic for Glycogen storage disease, type II. Last evaluated: 2026-07-01. Review status: criteria provided, single submitter. Criteria: Genomenon Sequence Variant Interpretation Standards - Updated. Collection method: curation. Allele origin: germline. Affected: yes. Not counted in ClinVar's aggregate classification.
Comment: GAA p.Gln838Ter (c.2512C>T) is a nonsense variant that introduces a premature stop codon at amino acid position 838 and is predicted to result in a truncated or absent protein product. This variant has been observed in at least one proband with a GAA-related disorder (PMID:37087815;26167453). It is absent or not present at a significant frequency in gnomAD. In conclusion, we classify GAA p.Gln838Ter (c.2512C>T) as a pathogenic variant.

Labcorp Genetics (formerly Invitae), Labcorp
Classification: Pathogenic for Glycogen storage disease, type II. Last evaluated: 2025-12-24. Review status: criteria provided, single submitter. Criteria: Invitae Variant Classification Sherloc (09022015). Collection method: clinical testing. Allele origin: germline. Not counted in ClinVar's aggregate classification.
Comment: This sequence change creates a premature translational stop signal (p.Gln838*) in the GAA gene. It is expected to result in an absent or disrupted protein product. Loss-of-function variants in GAA are known to be pathogenic (PMID: 18425781, 22252923). This variant is present in population databases (rs369532274, gnomAD 0.007%). This premature translational stop signal has been observed in individual(s) with Pompe disease (PMID: 29122469, 31342611). ClinVar contains an entry for this variant (Variation ID: 92479). For these reasons, this variant has been classified as Pathogenic.

Natera, Inc.
Classification: Pathogenic for Glycogen storage disease type II. Last evaluated: 2024-05-29. Review status: criteria provided, single submitter. Criteria: Natera Variant Classification Schema (03/2026). Collection method: clinical testing. Allele origin: germline. Not counted in ClinVar's aggregate classification.
Comment: The c.2512C>T variant in GAA is a nonsense variant predicted to introduce a stop codon at amino acid 838. This variant is expected to result in nonsense mediated decay, truncation, or a dysfunctional protein product. This variant is rare in the general population with a frequency below the threshold expected for the associated phenotype(s). This variant has been observed to segregate in affected family members (PMID: 26167453). Given the available evidence, this variant is classified as Pathogenic.

Fulgent Genetics
Classification: Pathogenic for Glycogen storage disease, type II. Last evaluated: 2024-01-18. Review status: criteria provided, single submitter. Criteria: ACMG Guidelines, 2015. Collection method: clinical testing. Allele origin: germline. Not counted in ClinVar's aggregate classification.

Revvity Omics, Revvity
Classification: Pathogenic. Last evaluated: 2021-02-05. Review status: criteria provided, single submitter. Criteria: ACMG Guidelines, 2015. Collection method: clinical testing. Allele origin: germline. Not counted in ClinVar's aggregate classification.

Broad Center for Mendelian Genomics, Broad Institute of MIT and Harvard
Classification: Pathogenic for Glycogen storage disease, type II. Last evaluated: 2020-01-22. Review status: criteria provided, single submitter. Criteria: ACMG Guidelines, 2015. Collection method: curation. Allele origin: germline. Inheritance: Autosomal recessive inheritance. Not counted in ClinVar's aggregate classification.
Comment: The p.Gln838Ter variant in GAA has been reported in 2 African American individuals with Glycogen Storage Disease II, segregated with disease in 2 affected siblings from 1 family (PMID: 26167453), and has also been reported pathogenic by EGL Genetic Diagnostics in ClinVar (Variation ID: 92479). This variant has been identified in 0.006% (1/16188) of African chromosomes by the Genome Aggregation Database (gnomAD; dbSNP rs369532274). Although this variant has been seen in the general population, its frequency is low enough to be consistent with a recessive carrier frequency. This nonsense variant leads to a premature termination codon at position 838, which is predicted to lead to a truncated or absent protein. Loss of function of the GAA gene is an established disease mechanism in autosomal recessive Glycogen Storage Disease II. This variant has been reported in trans with a reported likely pathogenic variant and in 2 individuals with Glycogen Storage Disease II (PMID: 26167453; Variation ID: 92472). The phenotype of individuals heterozygous for this variant is highly specific for Glycogen Storage Disease II based on reduced GAA activity in fibroblasts or muscle tissue (PMID: 26167453). In summary, this variant meets criteria to be classified as pathogenic for Glycogen Storage Disease II in an autosomal recessive manner based on the predicted impact of the variant and occurrences with a reported likely pathogenic GAA variant in individuals with Glycogen Storage Disease II. ACMG/AMP Criteria applied: PVS1, PM2, PP4 (Richards 2015).

Eurofins Ntd Llc (ga)
Classification: Pathogenic. Last evaluated: 2016-09-14. Review status: criteria provided, single submitter. Criteria: EGL Classification Definitions. Collection method: clinical testing. Allele origin: germline. Observed: 6 variant alleles, 6 heterozygotes. Not counted in ClinVar's aggregate classification.

Literature cited by the submitters: PubMed 37087815 (cited by Genomenon, Inc); PubMed 26167453 (cited by 3 submitters); PubMed 18425781 (cited by Labcorp Genetics (formerly Invitae), Labcorp); PubMed 22252923 (cited by Labcorp Genetics (formerly Invitae), Labcorp); PubMed 29122469 (cited by Labcorp Genetics (formerly Invitae), Labcorp); PubMed 31342611 (cited by Labcorp Genetics (formerly Invitae), Labcorp).

NM_000152.5(GAA):c.2512C>T (p.Gln838Ter)

Gene: GAA (alpha glucosidase; plus strand). Cytogenetic location: 17q25.3.
Variant type: single nucleotide variant.
Coding change: c.2512C>T on transcript NM_000152.5 (MANE Select); coding-DNA position 2512, C replaced by T.
Protein change: p.Gln838Ter; replaces glutamine 838 with a stop codon.
Molecular consequence: nonsense.
Genome position (GRCh38, 1-based): chr17:80,118,223, C>T. VCF-style: chr17-80118223-C-T. GRCh37 (hg19) VCF-style: chr17-78092022-C-T.
Other names: c.2512C>T (NM_000152.4); c.2512C>T, p.Gln838Ter (NM_001079803.3, NM_001079804.3); c.2512C>T, p.Gln838* (LRG_673t1); short protein forms Q838*.
Identifiers: ClinVar variation 92479 (VCV000092479.28), dbSNP rs369532274, ClinGen allele CA220400.